The following is an entry in ClinVar:

NM_002609.4(PDGFRB):c.1810C>T (p.Arg604Cys)

Gene: PDGFRB (platelet derived growth factor receptor beta; minus strand). Cytogenetic location: 5q32.
Variant type: single nucleotide variant.
Coding change: c.1810C>T on transcript NM_002609.4 (MANE Select); coding-DNA position 1810, C replaced by T.
Protein change: p.Arg604Cys; replaces arginine 604 with cysteine.
Molecular consequence: missense variant.
Genome position (GRCh38, 1-based): chr5:150,124,829, G>A on the plus strand (C>T on the coding strand, the complement: PDGFRB is on the minus strand). VCF-style: chr5-150124829-G-A. GRCh37 (hg19) VCF-style: chr5-149504392-G-A.
Other names: c.1618C>T, p.Arg540Cys (NM_001355016.2); c.1327C>T, p.Arg443Cys (NM_001355017.2); c.1810C>T (NM_002609.3); short protein forms R604C, R443C, R540C.
Identifiers: ClinVar variation 1463139 (VCV001463139.8), dbSNP rs541926152, ClinGen allele CA3507844.

ClinVar aggregate classification (germline): Uncertain significance. Review status: criteria provided, multiple submitters, no conflicts (2 of 4 stars). 2 submissions from 2 submitters: Uncertain significance (2). Last evaluated 2024-07-30.

Conditions:
PDGFRB-related disorder. Also called: PDGFRB-related condition.
Basal ganglia calcification, idiopathic, 4 (PFBC4). Also called: Familial Idiopathic Basal Ganglia Calcification 4; PRIMARY FAMILIAL BRAIN CALCIFICATION 4, AUTOSOMAL DOMINANT. Identifiers: Orphanet 1980, MedGen C3554321, MONDO:0014004, OMIM 615007.
Acroosteolysis-keloid-like lesions-premature aging syndrome. Also called: Premature aging syndrome, Penttinen type; Prematurely aged appearance, delayed bone maturation, acro-osteolysis, and brachydactyly; Progeroid syndrome, Penttinen type. Identifiers: Orphanet 363665, MedGen C1866182, MONDO:0011150, OMIM 601812.
Infantile myofibromatosis (IMF). Also called: Congenital generalized fibromatosis. Identifiers: Orphanet 2591, MedGen C0432284, MONDO:0016824.
Skeletal overgrowth-craniofacial dysmorphism-hyperelastic skin-white matter lesions syndrome. Also called: SKELETAL OVERGROWTH WITH FACIAL DYSMORPHISM, HYPERELASTIC SKIN, WHITE MATTER LESIONS, AND NEUROLOGIC DETERIORATION; Kosaki overgrowth syndrome. Identifiers: Orphanet 477831, MedGen C4225270, MONDO:0014704, OMIM 616592.

Allele frequency attached by ClinVar (database versions not stated): ExAC 0.00005; gnomAD 0.00002; TOPMed 0.00005.
gnomAD v4.1: 74 of 1,569,952 alleles (0.0047%); highest among the groups gnomAD compares: East Asian, 0.0067%; no homozygotes.

Submissions (2):

Labcorp Genetics (formerly Invitae), Labcorp
Classification: Uncertain significance for Basal ganglia calcification, idiopathic, 4; Skeletal overgrowth-craniofacial dysmorphism-hyperelastic skin-white matter lesions syndrome; Infantile myofibromatosis; Acroosteolysis-keloid-like lesions-premature aging syndrome. Last evaluated: 2024-07-30. Review status: criteria provided, single submitter. Criteria: Invitae Variant Classification Sherloc (09022015). Collection method: clinical testing. Allele origin: germline.
Comment: This sequence change replaces arginine, which is basic and polar, with cysteine, which is neutral and slightly polar, at codon 604 of the PDGFRB protein (p.Arg604Cys). This variant is present in population databases (rs541926152, gnomAD 0.009%). This variant has not been reported in the literature in individuals affected with PDGFRB-related conditions. ClinVar contains an entry for this variant (Variation ID: 1463139). An algorithm developed to predict the effect of missense changes on protein structure and function (PolyPhen-2) suggests that this variant is likely to be disruptive. In summary, the available evidence is currently insufficient to determine the role of this variant in disease. Therefore, it has been classified as a Variant of Uncertain Significance.

PreventionGenetics, part of Exact Sciences
Classification: Uncertain significance for PDGFRB-related condition. Last evaluated: 2022-12-16. Review status: criteria provided, single submitter. Criteria: ACMG Guidelines, 2015. Collection method: clinical testing. Allele origin: germline.
Comment: The PDGFRB c.1810C>T variant is predicted to result in the amino acid substitution p.Arg604Cys. To our knowledge, this variant has not been reported in the literature. This variant is reported in 0.0088% of alleles in individuals of Latino descent in gnomAD. At this time, the clinical significance of this variant is uncertain due to the absence of conclusive functional and genetic evidence.